The following is an entry in ClinVar:

NM_000360.4(TH):c.977+1G>T

Gene: TH (tyrosine hydroxylase; minus strand). Cytogenetic location: 11p15.5.
Variant type: single nucleotide variant.
Coding change: c.977+1G>T on transcript NM_000360.4 (MANE Select); the canonical splice donor site of the intron after coding-DNA position 977, G replaced by T.
Molecular consequence: splice donor variant. On other transcripts: intron variant (2).
Genome position (GRCh38, 1-based): chr11:2,166,632, C>A on the plus strand (G>T on the coding strand, the complement: TH is on the minus strand). VCF-style: chr11-2166632-C-A. GRCh37 (hg19) VCF-style: chr11-2187862-C-A.
Other names: c.696-83G>T (NM_001440537.1); c.1058+1G>T (NM_199293.3); c.708-83G>T (NM_001440536.1); c.989+1G>T (NM_001440535.1); c.1070+1G>T (NM_199292.3).
Identifiers: ClinVar variation 4817040 (VCV004817040.1).

ClinVar aggregate classification (germline): Pathogenic (1 of 4 stars; one submission).

Conditions:
TH-deficient dopa-responsive dystonia. Also called: Tyrosine Hydroxylase-Deficient Dopa-Responsive Dystonia; Segawa syndrome, autosomal recessive; DYT-TH. Identifiers: Orphanet 101150, MedGen C2673535, MONDO:0011551, OMIM 605407.

Submission:

Natera, Inc.
Classification: Pathogenic for Autosomal recessive Segawa syndrome. Last evaluated: 2024-10-22. Review status: criteria provided, single submitter. Criteria: Natera Variant Classification Schema (03/2026). Collection method: clinical testing. Allele origin: germline.
Comment: The c.1070+1G>T variant in TH is a canonical splice donor site variant predicted to affect pre-mRNA splicing, which may result in an abnormal transcript and altered protein product. This variant is expected to result in nonsense mediated decay, truncation, or a dysfunctional protein product. This variant is rare in the general population with a frequency below the threshold expected for the associated phenotype(s). This variant has been observed in one or more individuals affected with the associated recessive disease, as either homozygous or compound heterozygous with a second variant (PMID: 32185155). Given the available evidence, this variant is classified as Pathogenic.

Literature cited by the submitters: PubMed 32185155.